The following is an entry in ClinVar:

ClinVar aggregate classification (germline): Pathogenic. Review status: criteria provided, multiple submitters, no conflicts (2 of 4 stars). 3 submissions from 3 submitters: Pathogenic (2). 1 of the submissions does not count toward it. Last evaluated 2023-04-23.

Conditions:
Kabuki syndrome. Also called: NIIKAWA-KUROKI SYNDROME; Kabuki make-up syndrome. Identifiers: Orphanet 2322, MedGen C0796004, MONDO:0016512.
Kabuki syndrome 1 (KABUK1). Also called: KMT2D-Related Kabuki Syndrome. Identifiers: Orphanet 2322, MedGen CN030661, MONDO:0007843, OMIM 147920.

Submissions (4):

Labcorp Genetics (formerly Invitae), Labcorp
Classification: Pathogenic for Kabuki syndrome. Last evaluated: 2023-04-23. Review status: criteria provided, single submitter. Criteria: Invitae Variant Classification Sherloc (09022015). Collection method: clinical testing. Allele origin: germline.
Comment: Variants that disrupt the consensus splice site are a relatively common cause of aberrant splicing (PMID: 17576681, 9536098). Algorithms developed to predict the effect of sequence changes on RNA splicing suggest that this variant may disrupt the consensus splice site. This sequence change replaces arginine, which is basic and polar, with glutamine, which is neutral and polar, at codon 5351 of the KMT2D protein (p.Arg5351Gln). This variant also falls at the last nucleotide of exon 50, which is part of the consensus splice site for this exon. This variant is not present in population databases (gnomAD no frequency). This missense change has been observed in individual(s) with clinical features of Kabuki syndrome (PMID: 23913813, 26785492, 27302555). In at least one individual the variant was observed to be de novo. ClinVar contains an entry for this variant (Variation ID: 463012). Experimental studies and prediction algorithms are not available or were not evaluated, and the functional significance of this variant is currently unknown. For these reasons, this variant has been classified as Pathogenic.

Victorian Clinical Genetics Services, Murdoch Childrens Research Institute
Classification: Pathogenic for Kabuki syndrome 1. Last evaluated: 2022-09-02. Review status: criteria provided, single submitter. Criteria: ACMG Guidelines, 2015. Collection method: clinical testing. Allele origin: germline. Inheritance: Autosomal dominant inheritance. Affected: yes.
Comment: Based on the classification scheme VCGS_Germline_v1.3.4, this variant is classified as Pathogenic. Following criteria are met: 0102 - Loss of function is a known mechanism of disease in this gene and is associated with Kabuki syndrome 1 (MIM#147920). (I) 0107 - This gene is associated with autosomal dominant disease. (I) 0200 - Variant is predicted to result in a missense amino acid change from arginine to glutamine. This variant is also in a splice region as it affects the last coding base of an exon. (I) 0251 - This variant is heterozygous. (I) 0301 - Variant is absent from gnomAD (both v2 and v3). (SP) 0309 - Multiple alternative amino acid changes at the same position have been observed in gnomAD (highest allele count: 2 heterozygotes, 0 homozygotes). However, one of these heterozygotes is poor quality. (I) 0502 - Missense variant with conflicting in silico predictions and high conservation. Abnormal splicing is predicted by in silico tools. (I) 0603 - Missense variant in a region that is highly intolerant to missense variation (high constraint region in DECIPHER). (SP) 0705 - No comparable missense variants have previous evidence for pathogenicity. (I) 0801 - This variant has strong previous evidence of pathogenicity in unrelated individuals. This variant has been classified as pathogenic by two clinical laboratories in ClinVar, including one de novo individual with Kabuki syndrome who was also reported in the literature (PMID: 27302555). This variant has also been observed in two other individuals with Kabuki syndrome in the literature, including another de novo case (PMIDs: 23913813, 28475860). (SP) 1101 - Very strong and specific phenotype match for this individual. (SP) 1208 - Inheritance information for this variant is not currently available in this individual. (I) Legend: (SP) - Supporting pathogenic, (I) - Information, (SB) - Supporting benign

Autoinflammatory diseases unit, CHU de Montpellier
Classification: Pathogenic for Kabuki syndrome 1. Last evaluated: 2014-06-10. Review status: no assertion criteria provided. Collection method: clinical testing. Allele origin: de novo. Affected: yes. Not counted in ClinVar's aggregate classification.

Dr. Peter K. Rogan Lab, Western University
No classification provided (evidence only). Condition: Uterine corpus endometrial carcinoma. Review status: no classification provided. Collection method: in vitro. Allele origin: not applicable. Functional consequence: retained intron. Not counted in ClinVar's aggregate classification.

Literature cited by the submitters: PubMed 17576681 (cited by Labcorp Genetics (formerly Invitae), Labcorp); PubMed 9536098 (cited by Labcorp Genetics (formerly Invitae), Labcorp); PubMed 23913813 (cited by Labcorp Genetics (formerly Invitae), Labcorp and Victorian Clinical Genetics Services, Murdoch Childrens Research Institute); PubMed 26785492 (cited by Labcorp Genetics (formerly Invitae), Labcorp); PubMed 27302555 (cited by Labcorp Genetics (formerly Invitae), Labcorp and Victorian Clinical Genetics Services, Murdoch Childrens Research Institute); PubMed 28475860 (cited by Victorian Clinical Genetics Services, Murdoch Childrens Research Institute).

NM_003482.4(KMT2D):c.16052G>A (p.Arg5351Gln)

Gene: KMT2D (lysine methyltransferase 2D; minus strand). Cytogenetic location: 12q13.12.
Variant type: single nucleotide variant.
Coding change: c.16052G>A on transcript NM_003482.4 (MANE Select); coding-DNA position 16052, G replaced by A.
Protein change: p.Arg5351Gln; replaces arginine 5351 with glutamine.
Molecular consequence: missense variant.
Genome position (GRCh38, 1-based): chr12:49,024,578, C>T on the plus strand (G>A on the coding strand, the complement: KMT2D is on the minus strand). VCF-style: chr12-49024578-C-T. GRCh37 (hg19) VCF-style: chr12-49418361-C-T.
Other names: short protein forms R5351Q.
Identifiers: ClinVar variation 463012 (VCV000463012.14), dbSNP rs1555185217, ClinGen allele CA384681045.